The following is an entry in ClinVar:

NM_001177316.2(SLC34A3):c.1106C>T (p.Pro369Leu)

Gene: SLC34A3 (solute carrier family 34 member 3; plus strand). Cytogenetic location: 9q34.3.
Variant type: single nucleotide variant.
Coding change: c.1106C>T on transcript NM_001177316.2 (MANE Select); coding-DNA position 1106, C replaced by T.
Protein change: p.Pro369Leu; replaces proline 369 with leucine.
Molecular consequence: missense variant.
Genome position (GRCh38, 1-based): chr9:137,234,428, C>T. VCF-style: chr9-137234428-C-T. GRCh37 (hg19) VCF-style: chr9-140128880-C-T.
Other names: c.1106C>T, p.Pro369Leu (NM_001177317.2, NM_080877.3); short protein forms P369L.
Identifiers: ClinVar variation 3781320 (VCV003781320.2).

ClinVar aggregate classification (germline): Likely pathogenic. Review status: criteria provided, single submitter (1 of 4 stars). 2 submissions from 2 submitters: Likely pathogenic (1). 1 of the submissions does not count toward it. Last evaluated 2025-10-03.

Conditions:
Autosomal recessive hypophosphatemic bone disease (HHRH). Also called: HYPERCALCIURIC RICKETS; Hypophosphatemic rickets with hypercalciuria. Identifiers: Orphanet 157215, MedGen C1853271, MONDO:0009431, OMIM 241530.

gnomAD v4.1: 18 of 1,598,888 alleles (0.0011%); highest among the groups gnomAD compares: Admixed American, 0.005%; no homozygotes.

Submissions (2):

Rare Kidney Stone Consortium and the Mayo Clinic Hyperoxaluria Center, Mayo Clinic
Classification: Likely pathogenic for Autosomal recessive hypophosphatemic bone disease. Last evaluated: 2025-10-03. Review status: criteria provided, single submitter. Criteria: ACMG Guidelines, 2015. Collection method: research. Allele origin: germline. Affected: yes. Observed: 1 variant allele.
Comment: ACMG:PM2, PM3, PM6, PP3, PP4

Yan Lab, Department of Urology, Pediatric Urolith Center, National Clinical Research Center for Child Health, The Children’s Hospital of Zhejiang University School of Medicine
Classification: Uncertain significance for Autosomal recessive hypophosphatemic bone disease. Review status: no assertion criteria provided. Collection method: research. Allele origin: germline. Affected: no. Not counted in ClinVar's aggregate classification.

Literature cited by the submitters: PubMed 40794449 (cited by Rare Kidney Stone Consortium and the Mayo Clinic Hyperoxaluria Center, Mayo Clinic).